The following is an entry in ClinVar:

ClinVar aggregate classification (germline): Pathogenic (1 of 4 stars; one submission).

Conditions:
Early-onset Parkinson disease 20. Also called: PARKINSON DISEASE 20, AUTOSOMAL RECESSIVE EARLY-ONSET. Identifiers: Orphanet 391411, MedGen C3809824, MONDO:0014233, OMIM 615530.
Developmental and epileptic encephalopathy, 53. Also called: Epileptic encephalopathy, early infantile, 53. Identifiers: MedGen C4479313, MONDO:0033362, OMIM 617389.

Submission:

Labcorp Genetics (formerly Invitae), Labcorp
Classification: Pathogenic for Developmental and epileptic encephalopathy, 53; Early-onset Parkinson disease 20. Last evaluated: 2019-06-29. Review status: criteria provided, single submitter. Criteria: Invitae Variant Classification Sherloc (09022015). Collection method: clinical testing. Allele origin: germline.
Comment: This sequence change creates a premature translational stop signal (p.Val1192*) in the SYNJ1 gene. It is expected to result in an absent or disrupted protein product. This variant is not present in population databases (ExAC no frequency). This variant has not been reported in the literature in individuals with SYNJ1-related conditions. Loss-of-function variants in SYNJ1 are known to be pathogenic (PMID: 25316601, 27435091). For these reasons, this variant has been classified as Pathogenic.

Literature cited by the submitters: PubMed 25316601; PubMed 27435091.

NM_203446.3(SYNJ1):c.3457del (p.Gly1152_Val1153insTer)

Gene: SYNJ1 (synaptojanin 1; minus strand). Cytogenetic location: 21q22.11.
Variant type: Deletion.
Coding change: c.3457del on transcript NM_203446.3 (MANE Select); coding-DNA position 3457, one base deleted (G; older notation c.3457delG).
Protein change: p.Gly1152_Val1153insTer.
Molecular consequence: nonsense. On other transcripts: intron variant (2).
Genome position (GRCh38, 1-based): chr21:32,643,431, C deleted on the plus strand (G on the coding strand, the reverse complement: SYNJ1 is on the minus strand); the first of 4 consecutive C bases (chr21:32,643,431-32,643,434); deleting any one gives the same sequence. VCF-style (leftmost placement, unchanged base first): chr21-32643430-AC-A. GRCh37 (hg19) VCF-style: chr21-34015740-AC-A.
Other names: c.3574del, p.Gly1191_Val1192insTer (NM_003895.4); c.3431-1298del (NM_001160302.2); c.3377-1465del (NM_001160306.2).
Identifiers: ClinVar variation 950404 (VCV000950404.8), dbSNP rs2039933328, ClinGen allele CA1139666822.